The following is an entry in ClinVar:

NM_000587.4(C7):c.1319A>T (p.Tyr440Phe)

Gene: C7 (complement C7; plus strand). Cytogenetic location: 5p13.1.
Variant type: single nucleotide variant.
Coding change: c.1319A>T on transcript NM_000587.4 (MANE Select); coding-DNA position 1319, A replaced by T.
Protein change: p.Tyr440Phe; replaces tyrosine 440 with phenylalanine.
Molecular consequence: missense variant.
Genome position (GRCh38, 1-based): chr5:40,958,091, A>T. VCF-style: chr5-40958091-A-T. GRCh37 (hg19) VCF-style: chr5-40958193-A-T.
Other names: short protein forms Y440F.
Identifiers: ClinVar variation 1509931 (VCV001509931.6), dbSNP rs781040180, ClinGen allele CA3249932.

ClinVar aggregate classification (germline): Uncertain significance. Review status: criteria provided, multiple submitters, no conflicts (2 of 4 stars). 2 submissions from 2 submitters: Uncertain significance (2). Last evaluated 2024-10-02.

Allele frequency attached by ClinVar (database versions not stated): gnomAD exomes 0.00011; gnomAD 0.00013 and 0.00014.
gnomAD v4.1: 146 of 1,613,598 alleles (0.009%); highest among the groups gnomAD compares: Non-Finnish European, 0.0099%; 1 homozygote.

Submissions (2):

Blueprint Genetics
Classification: Uncertain significance. Last evaluated: 2024-10-02. Review status: criteria provided, single submitter. Criteria: ACMG Guidelines, 2015. Collection method: clinical testing. Allele origin: germline.

Labcorp Genetics (formerly Invitae), Labcorp
Classification: Uncertain significance. Last evaluated: 2022-09-27. Review status: criteria provided, single submitter. Criteria: Invitae Variant Classification Sherloc (09022015). Collection method: clinical testing. Allele origin: germline.
Comment: This sequence change replaces tyrosine, which is neutral and polar, with phenylalanine, which is neutral and non-polar, at codon 440 of the C7 protein (p.Tyr440Phe). This variant is present in population databases (rs781040180, gnomAD 0.07%). This variant has not been reported in the literature in individuals affected with C7-related conditions. ClinVar contains an entry for this variant (Variation ID: 1509931). Advanced modeling of protein sequence and biophysical properties (such as structural, functional, and spatial information, amino acid conservation, physicochemical variation, residue mobility, and thermodynamic stability) performed at Invitae indicates that this missense variant is not expected to disrupt C7 protein function. In summary, the available evidence is currently insufficient to determine the role of this variant in disease. Therefore, it has been classified as a Variant of Uncertain Significance.